The following is an entry in ClinVar:

ClinVar aggregate classification (germline): Uncertain significance (1 of 4 stars; one submission).

Conditions:
Intellectual developmental disorder, X-linked, syndromic, Claes-Jensen type. Also called: Syndromic X-linked intellectual disability Claes-Jensen type; INTELLECTUAL DEVELOPMENTAL DISORDER, X-LINKED, SYNDROMIC 16; MENTAL RETARDATION, X-LINKED, SYNDROMIC 16. Identifiers: Orphanet 85279, MedGen C1845243, MONDO:0010355, OMIM 300534.

Submission:

Juno Genomics, Hangzhou Juno Genomics, Inc
Classification: Uncertain significance for Intellectual developmental disorder, X-linked, syndromic, Claes-Jensen type. Review status: criteria provided, single submitter. Criteria: ACMG Guidelines, 2015. Collection method: clinical testing. Allele origin: germline. Affected: yes.
Comment: Absent from controls (or at extremely low frequency if recessive) in Genome Aggregation Database, Exome Sequencing Project, 1000 Genomes Project, or Exome Aggregation Consortium.;Multiple lines of computational evidence support a deleterious effect on the gene or gene product (conservation, evolutionary, splicing impact, etc).;Located in a mutational hot spot and/or critical and well-established functional domain (e.g. active site of an enzyme) without benign variation.

NM_004187.5(KDM5C):c.1582T>G (p.Trp528Gly)

Gene: KDM5C (lysine demethylase 5C; minus strand). Cytogenetic location: Xp11.22.
Variant type: single nucleotide variant.
Coding change: c.1582T>G on transcript NM_004187.5 (MANE Select); coding-DNA position 1582, T replaced by G.
Protein change: p.Trp528Gly; replaces tryptophan 528 with glycine.
Molecular consequence: missense variant. On other transcripts: non-coding transcript variant (3).
Genome position (GRCh38, 1-based): chrX:53,210,677, A>C on the plus strand (T>G on the coding strand, the complement: KDM5C is on the minus strand). VCF-style: chrX-53210677-A-C. GRCh37 (hg19) VCF-style: chrX-53239859-A-C.
Other names: c.1582T>G, p.Trp528Gly (NM_001353978.3, NM_001353981.2, NM_001353984.2); c.1579T>G, p.Trp527Gly (NM_001353979.2, NM_001353982.2, NM_001282622.3); c.1381T>G, p.Trp461Gly (NM_001146702.2); short protein forms W461G, W527G, W528G.
Identifiers: ClinVar variation 3899358 (VCV003899358.2).